The following is an entry in ClinVar:

ClinVar aggregate classification (germline): Uncertain significance (1 of 4 stars; one submission).

Conditions:
Hereditary cancer-predisposing syndrome. Also called: Hereditary Cancer Syndrome; Hereditary neoplastic syndrome; Neoplastic Syndromes, Hereditary; Tumor predisposition. Identifiers: Orphanet 140162, MedGen C0027672, MeSH D009386, MONDO:0015356.

Submission:

Ambry Genetics
Classification: Uncertain significance for Hereditary cancer-predisposing syndrome. Last evaluated: 2020-06-24. Review status: criteria provided, single submitter. Criteria: Ambry Variant Classification Scheme 2023. Collection method: clinical testing. Allele origin: germline.
Comment: The p.L433M variant (also known as c.1297T>A), located in coding exon 4 of the PALB2 gene, results from a T to A substitution at nucleotide position 1297. The leucine at codon 433 is replaced by methionine, an amino acid with highly similar properties. This amino acid position is highly conserved in available vertebrate species. In addition, this alteration is predicted to be tolerated by in silico analysis. Since supporting evidence is limited at this time, the clinical significance of this alteration remains unclear.

NM_024675.4(PALB2):c.1297T>A (p.Leu433Met)

Gene: PALB2 (partner and localizer of BRCA2; minus strand). Cytogenetic location: 16p12.2.
Variant type: single nucleotide variant.
Coding change: c.1297T>A on transcript NM_024675.4 (MANE Select); coding-DNA position 1297, T replaced by A.
Protein change: p.Leu433Met; replaces leucine 433 with methionine.
Molecular consequence: missense variant.
Genome position (GRCh38, 1-based): chr16:23,635,249, A>T on the plus strand (T>A on the coding strand, the complement: PALB2 is on the minus strand). VCF-style: chr16-23635249-A-T. GRCh37 (hg19) VCF-style: chr16-23646570-A-T.
Other names: c.1237T>A, p.Leu413Met (NM_001407296.1); c.1297T>A, p.Leu433Met (NM_001407297.1, NM_001407298.1, NM_001407299.1 and 3 more transcripts); c.412T>A, p.Leu138Met (NM_001407304.1, NM_001407305.1, NM_001407306.1 and 5 more transcripts); short protein forms L413M, L138M, L433M.
Identifiers: ClinVar variation 1769251 (VCV001769251.2), dbSNP rs2142420096, ClinGen allele CA395132471.